The following is an entry in ClinVar:

ClinVar aggregate classification (germline): Uncertain significance. Review status: criteria provided, single submitter (1 of 4 stars). 2 submissions from 2 submitters: Uncertain significance (1). 1 of the submissions does not count toward it. Last evaluated 2021-08-31.

Conditions:
Cardiomyopathy (CMYO). Also called: Cardiomyopathies. Identifiers: Orphanet 167848, MedGen C0878544, MONDO:0004994, HP:0001638. Inheritance: Various modes of inheritance.
Duchenne muscular dystrophy (DMD). Also called: MUSCULAR DYSTROPHY, PSEUDOHYPERTROPHIC PROGRESSIVE, DUCHENNE TYPE; Duchenne Muscular Dystrophy (DMD). Identifiers: Orphanet 98896, MedGen C0013264, MONDO:0010679, OMIM 310200.
Becker muscular dystrophy (BMD). Also called: MUSCULAR DYSTROPHY, PSEUDOHYPERTROPHIC PROGRESSIVE, BECKER TYPE; Becker Muscular Dystrophy (BMD). Identifiers: Orphanet 98895, MedGen C0917713, MONDO:0010311, OMIM 300376.
Dystrophin deficiency.

Allele frequency attached by ClinVar (database versions not stated): gnomAD exomes below 0.00001.
gnomAD v4.1: 3 of 1,184,748 alleles (0.00025%); highest among the groups gnomAD compares: Non-Finnish European, 0.00023%; no homozygotes.

Submissions (2):

Labcorp Genetics (formerly Invitae), Labcorp
Classification: Uncertain significance for Duchenne muscular dystrophy. Last evaluated: 2021-08-31. Review status: criteria provided, single submitter. Criteria: Invitae Variant Classification Sherloc (09022015). Collection method: clinical testing. Allele origin: germline.
Comment: This sequence change replaces proline with leucine at codon 3362 of the DMD protein (p.Pro3362Leu). The proline residue is highly conserved and there is a moderate physicochemical difference between proline and leucine. This variant is not present in population databases (ExAC no frequency). This variant has not been reported in the literature in individuals affected with DMD-related conditions. Algorithms developed to predict the effect of missense changes on protein structure and function (SIFT, PolyPhen-2, Align-GVGD) all suggest that this variant is likely to be disruptive. In summary, the available evidence is currently insufficient to determine the role of this variant in disease. Therefore, it has been classified as a Variant of Uncertain Significance.

Natera, Inc.
Classification: Uncertain significance for Becker muscular dystrophy; Cardiomyopathy; Duchenne muscular dystrophy; Dystrophin deficiency. Last evaluated: 2020-12-22. Review status: no assertion criteria provided. Collection method: clinical testing. Allele origin: germline. Not counted in ClinVar's aggregate classification.

NM_004006.3(DMD):c.10085C>T (p.Pro3362Leu)

Gene: DMD (dystrophin; minus strand). Cytogenetic location: Xp21.2.
Variant type: single nucleotide variant.
Coding change: c.10085C>T on transcript NM_004006.3 (MANE Select); coding-DNA position 10085, C replaced by T.
Protein change: p.Pro3362Leu; replaces proline 3362 with leucine.
Molecular consequence: missense variant.
Genome position (GRCh38, 1-based): chrX:31,180,371, G>A on the plus strand (C>T on the coding strand, the complement: DMD is on the minus strand). VCF-style: chrX-31180371-G-A. GRCh37 (hg19) VCF-style: chrX-31198488-G-A.
Other names: c.10061C>T, p.Pro3354Leu (NM_000109.4); c.10073C>T, p.Pro3358Leu (NM_004009.3); c.9716C>T, p.Pro3239Leu (NM_004010.3); c.6062C>T, p.Pro2021Leu (NM_004011.4); c.6053C>T, p.Pro2018Leu (NM_004012.4); c.2705C>T, p.Pro902Leu (NM_004013.3, NM_004020.4, NM_004021.3 and 2 more transcripts); c.1898C>T, p.Pro633Leu (NM_004014.3); c.881C>T, p.Pro294Leu (NM_004015.3, NM_004016.3, NM_004017.3 and 2 more transcripts); short protein forms P3362L, P2018L, P2021L, P633L, P902L, P3354L, P294L, P3239L.
Identifiers: ClinVar variation 573510 (VCV000573510.9), dbSNP rs1569423459, ClinGen allele CA412652983.